The following is an entry in ClinVar:

ClinVar aggregate classification (germline): Uncertain significance. Review status: criteria provided, multiple submitters, no conflicts (2 of 4 stars). 2 submissions from 2 submitters: Uncertain significance (2). Last evaluated 2025-04-21.

Conditions:
Thrombocytopenia 2 (THC2). Also called: ANKRD26-Related Thrombocytopenia. Identifiers: Orphanet 268322, MedGen C1861185, MONDO:0008555, OMIM 188000.

Allele frequency attached by ClinVar (database versions not stated): TOPMed 0.00001.

Submissions (2):

Labcorp Genetics (formerly Invitae), Labcorp
Classification: Uncertain significance. Last evaluated: 2025-04-21. Review status: criteria provided, single submitter. Criteria: Invitae Variant Classification Sherloc (09022015). Collection method: clinical testing. Allele origin: germline.
Comment: This variant occurs in a non-coding region of the ANKRD26 gene. It does not change the encoded amino acid sequence of the ANKRD26 protein. This variant is not present in population databases (gnomAD no frequency). This variant has not been reported in the literature in individuals affected with ANKRD26-related conditions. ClinVar contains an entry for this variant (Variation ID: 880167). In summary, the available evidence is currently insufficient to determine the role of this variant in disease. Therefore, it has been classified as a Variant of Uncertain Significance.

Illumina Laboratory Services, Illumina
Classification: Uncertain significance for Thrombocytopenia 2. Last evaluated: 2018-01-13. Review status: criteria provided, single submitter. Criteria: ICSL Variant Classification Criteria 13 December 2019. Collection method: clinical testing. Allele origin: germline.

NM_014915.3(ANKRD26):c.-138C>A

Gene: ANKRD26 (ankyrin repeat domain 26; minus strand). Cytogenetic location: 10p12.1.
Variant type: single nucleotide variant.
Coding change: c.-138C>A on transcript NM_014915.3 (MANE Select); 138 bases upstream of the start codon, C replaced by A.
Molecular consequence: 5 prime UTR variant.
Genome position (GRCh38, 1-based): chr10:27,100,464, G>T on the plus strand (C>A on the coding strand, the complement: ANKRD26 is on the minus strand). VCF-style: chr10-27100464-G-T. GRCh37 (hg19) VCF-style: chr10-27389393-G-T.
Other names: c.-138C>A (NM_001256053.2).
Identifiers: ClinVar variation 880167 (VCV000880167.6), dbSNP rs886046950, ClinGen allele CA663342986.
Genomic context (GRCh38, chr10:27,100,464, plus strand): 5'-TCAGCCCCGGCTGGCCGCAGCCTCCCAAAGGAAACTCCGCGGTTTCCAATCTCTCCCTCC[G>T]GGTTACCAAGCAAGCGATCCCGCTAGACACAAGTGCGCATGCGCACCTCAGATGGCAAGG-3'